The following is an entry in ClinVar:

NM_000243.3(MEFV):c.536G>T (p.Ser179Ile)

Gene: MEFV (MEFV innate immunity regulator, pyrin; minus strand). Cytogenetic location: 16p13.3.
Variant type: single nucleotide variant.
Coding change: c.536G>T on transcript NM_000243.3 (MANE Select); coding-DNA position 536, G replaced by T.
Protein change: p.Ser179Ile; replaces serine 179 with isoleucine.
Molecular consequence: missense variant. On other transcripts: intron variant (1).
Genome position (GRCh38, 1-based): chr16:3,254,532, C>A on the plus strand (G>T on the coding strand, the complement: MEFV is on the minus strand). VCF-style: chr16-3254532-C-A. GRCh37 (hg19) VCF-style: chr16-3304532-C-A.
Other names: c.277+1779G>T (NM_001198536.2); short protein forms S179I.
Identifiers: ClinVar variation 97529 (VCV000097529.27), dbSNP rs104895125, ClinGen allele CA280620.

ClinVar aggregate classification (germline): Uncertain significance. Review status: criteria provided, multiple submitters, no conflicts (2 of 4 stars). 4 submissions from 4 submitters: Uncertain significance (3). 1 of the submissions does not count toward it. Last evaluated 2023-10-01.

Conditions:
Familial Mediterranean fever (FMF). Also called: POLYSEROSITIS, FAMILIAL PAROXYSMAL; POLYSEROSITIS, RECURRENT; Periodic peritonitis; Benign paroxysmal peritonitis. Identifiers: Orphanet 342, MedGen C0031069, MONDO:0018088, OMIM 249100. Disease mechanism: gain of function.

gnomAD v4.1: 3 of 1,555,414 alleles (0.00019%); highest among the groups gnomAD compares: Admixed American, 0.0019%; no homozygotes.

Submissions (4):

CeGaT Center for Human Genetics Tuebingen
Classification: Uncertain significance. Last evaluated: 2023-10-01. Review status: criteria provided, single submitter. Criteria: CeGaT Center For Human Genetics Tuebingen Variant Classification Criteria Version 2. Collection method: clinical testing. Allele origin: germline. Affected: yes. Observed: 1 variant allele.
Comment: MEFV: PM2, PM3, BP4

Blueprint Genetics
Classification: Uncertain significance. Last evaluated: 2022-06-10. Review status: criteria provided, single submitter. Criteria: ACMG Guidelines, 2015. Collection method: clinical testing. Allele origin: germline.

Mendelics
Classification: Uncertain significance for Familial Mediterranean fever. Last evaluated: 2019-05-28. Review status: criteria provided, single submitter. Criteria: Mendelics Assertion Criteria 2017. Collection method: clinical testing. Allele origin: unknown.

Unité médicale des maladies autoinflammatoires, CHRU Montpellier
No classification provided. Condition: Familial Mediterranean fever. Review status: no classification provided. Collection method: not provided. Allele origin: unknown. Not counted in ClinVar's aggregate classification.